The following is an entry in ClinVar:

ClinVar aggregate classification (germline): Conflicting classifications of pathogenicity. Review status: criteria provided, conflicting classifications (1 of 4 stars). 2 submissions from 2 submitters: Uncertain significance (1); Likely benign (1). Last evaluated 2025-12-29.

Allele frequency attached by ClinVar (database versions not stated): ExAC 0.00002.
gnomAD v4.1: 29 of 1,607,356 alleles (0.0018%); highest among the groups gnomAD compares: South Asian, 0.032%; no homozygotes.

Submissions (2):

Labcorp Genetics (formerly Invitae), Labcorp
Classification: Uncertain significance. Last evaluated: 2025-12-29. Review status: criteria provided, single submitter. Criteria: Invitae Variant Classification Sherloc (09022015). Collection method: clinical testing. Allele origin: germline.
Comment: This sequence change replaces isoleucine, which is neutral and non-polar, with threonine, which is neutral and polar, at codon 466 of the FBN3 protein (p.Ile466Thr). This variant is present in population databases (rs775303474, gnomAD 0.02%). This variant has not been reported in the literature in individuals affected with FBN3-related conditions. ClinVar contains an entry for this variant (Variation ID: 2183102). Invitae Evidence Modeling of protein sequence and biophysical properties (such as structural, functional, and spatial information, amino acid conservation, physicochemical variation, residue mobility, and thermodynamic stability) indicates that this missense variant is not expected to disrupt FBN3 protein function with a negative predictive value of 80%. In summary, the available evidence is currently insufficient to determine the role of this variant in disease. Therefore, it has been classified as a Variant of Uncertain Significance.

Ambry Genetics
Classification: Likely benign. Last evaluated: 2025-10-29. Review status: criteria provided, single submitter. Criteria: Ambry Variant Classification Scheme 2023. Collection method: clinical testing. Allele origin: germline.

NM_032447.5(FBN3):c.1397T>C (p.Ile466Thr)

Gene: FBN3 (fibrillin 3; minus strand). Cytogenetic location: 19p13.2.
Variant type: single nucleotide variant.
Coding change: c.1397T>C on transcript NM_032447.5 (MANE Select); coding-DNA position 1397, T replaced by C.
Protein change: p.Ile466Thr; replaces isoleucine 466 with threonine.
Molecular consequence: missense variant.
Genome position (GRCh38, 1-based): chr19:8,136,258, A>G on the plus strand (T>C on the coding strand, the complement: FBN3 is on the minus strand). VCF-style: chr19-8136258-A-G. GRCh37 (hg19) VCF-style: chr19-8201142-A-G.
Other names: c.1397T>C, p.Ile466Thr (NM_001321431.2); c.1397T>C (NM_032447.3); short protein forms I466T.
Identifiers: ClinVar variation 2183102 (VCV002183102.5), dbSNP rs775303474, ClinGen allele CA9153343.